The following is an entry in ClinVar:

ClinVar aggregate classification (germline): Uncertain significance. Review status: criteria provided, multiple submitters, no conflicts (2 of 4 stars). 2 submissions from 2 submitters: Uncertain significance (2). Last evaluated 2026-04-22.

Allele frequency attached by ClinVar (database versions not stated): 1000 Genomes Project 0.00026; gnomAD 0.00002 and 0.00003; TOPMed 0.00004; gnomAD exomes 0.00006 and 0.00007; ExAC 0.00012; 1000 Genomes Project 30x 0.00021.
gnomAD v4.1: 68 of 1,188,099 alleles (0.0057%); highest among the groups gnomAD compares: South Asian, 0.011%; no homozygotes.

Submissions (2):

Women's Health and Genetics/Laboratory Corporation of America, LabCorp
Classification: Uncertain significance. Last evaluated: 2026-04-22. Review status: criteria provided, single submitter. Criteria: LabCorp Variant Classification Summary - May 2015. Collection method: clinical testing. Allele origin: germline.
Comment: Variant summary: KIF4A c.2183G>A (p.Arg728Gln) results in a conservative amino acid change in the encoded protein sequence. Algorithms developed to predict the effect of missense changes on protein structure and function are either unavailable or do not agree on the potential impact of this missense change. The variant allele was found at a frequency of 6.8e-05 in 146470 control chromosomes, including 4 hemizygotes. This frequency is not significantly higher than estimated for disease-causing variants in KIF4A, allowing no conclusion about variant significance. To our knowledge, no occurrence of c.2183G>A in individuals affected with KIF4A-related conditions and no experimental evidence demonstrating its impact on protein function have been reported. ClinVar contains an entry for this variant (Variation ID: 445639). Based on the evidence outlined above, the variant was classified as uncertain significance.

Center for Pediatric Genomic Medicine, Children's Mercy Hospital and Clinics
Classification: Uncertain significance. Last evaluated: 2017-06-15. Review status: criteria provided, single submitter. Criteria: ACMG Guidelines, 2015. Collection method: clinical testing. Allele origin: germline.

NM_012310.5(KIF4A):c.2183G>A (p.Arg728Gln)

Gene: KIF4A (kinesin family member 4A; plus strand). Cytogenetic location: Xq13.1.
Variant type: single nucleotide variant.
Coding change: c.2183G>A on transcript NM_012310.5 (MANE Select); coding-DNA position 2183, G replaced by A.
Protein change: p.Arg728Gln; replaces arginine 728 with glutamine.
Molecular consequence: missense variant.
Genome position (GRCh38, 1-based): chrX:70,387,248, G>A. VCF-style: chrX-70387248-G-A. GRCh37 (hg19) VCF-style: chrX-69607098-G-A.
Other names: short protein forms R728Q.
Identifiers: ClinVar variation 445639 (VCV000445639.4), dbSNP rs199529123, ClinGen allele CA10441281.